The following is an entry in ClinVar:

NM_003072.5(SMARCA4):c.1756A>C (p.Lys586Gln)

Gene: SMARCA4 (SWI/SNF related BAF chromatin remodeling complex subunit ATPase 4; plus strand). Cytogenetic location: 19p13.2.
Variant type: single nucleotide variant.
Coding change: c.1756A>C on transcript NM_003072.5 (MANE Select); coding-DNA position 1756, A replaced by C.
Protein change: p.Lys586Gln; replaces lysine 586 with glutamine.
Molecular consequence: missense variant. On other transcripts: non-coding transcript variant (1).
Genome position (GRCh38, 1-based): chr19:10,996,375, A>C. VCF-style: chr19-10996375-A-C. GRCh37 (hg19) VCF-style: chr19-11107051-A-C.
Other names: c.1756A>C, p.Lys586Gln (NM_001374457.1, NM_001387283.1, NM_001128844.3 and 5 more transcripts); c.1756A>C (NM_001128849.1); short protein forms K586Q.
Identifiers: ClinVar variation 1504957 (VCV001504957.9), dbSNP rs2145974399, ClinGen allele CA404064638.

ClinVar aggregate classification (germline): Uncertain significance. Review status: criteria provided, multiple submitters, no conflicts (2 of 4 stars). 2 submissions from 2 submitters: Uncertain significance (2). Last evaluated 2025-06-25.

Conditions:
Hereditary cancer-predisposing syndrome. Also called: Hereditary neoplastic syndrome; Tumor predisposition; Neoplastic Syndromes, Hereditary; Hereditary Cancer Syndrome. Identifiers: Orphanet 140162, MedGen C0027672, MeSH D009386, MONDO:0015356.
Rhabdoid tumor predisposition syndrome 2 (RTPS2). Identifiers: Orphanet 231108, Orphanet 69077, MedGen C2750074, MONDO:0013224, OMIM 613325.

Submissions (2):

Ambry Genetics
Classification: Uncertain significance for Hereditary cancer-predisposing syndrome. Last evaluated: 2025-06-25. Review status: criteria provided, single submitter. Criteria: Ambry Variant Classification Scheme 2023. Collection method: clinical testing. Allele origin: germline.
Comment: The p.K586Q variant (also known as c.1756A>C), located in coding exon 9 of the SMARCA4 gene, results from an A to C substitution at nucleotide position 1756. The lysine at codon 586 is replaced by glutamine, an amino acid with similar properties. This amino acid position is conserved. In addition, this alteration is predicted to be tolerated by in silico analysis. Based on the available evidence, the clinical significance of this variant remains unclear.

Labcorp Genetics (formerly Invitae), Labcorp
Classification: Uncertain significance for Rhabdoid tumor predisposition syndrome 2. Last evaluated: 2021-01-27. Review status: criteria provided, single submitter. Criteria: Invitae Variant Classification Sherloc (09022015). Collection method: clinical testing. Allele origin: germline.
Comment: This variant has not been reported in the literature in individuals with SMARCA4-related conditions. In summary, the available evidence is currently insufficient to determine the role of this variant in disease. Therefore, it has been classified as a Variant of Uncertain Significance. Algorithms developed to predict the effect of missense changes on protein structure and function are either unavailable or do not agree on the potential impact of this missense change (SIFT: "Tolerated"; PolyPhen-2: "Possibly Damaging"; Align-GVGD: "Class C0"). This variant is not present in population databases (ExAC no frequency). This sequence change replaces lysine with glutamine at codon 586 of the SMARCA4 protein (p.Lys586Gln). The lysine residue is highly conserved and there is a small physicochemical difference between lysine and glutamine.